The following is an entry in ClinVar:

NM_182961.4(SYNE1):c.4561C>T (p.Arg1521Ter)

Gene: SYNE1 (spectrin repeat containing nuclear envelope protein 1; minus strand). Cytogenetic location: 6q25.2.
Variant type: single nucleotide variant.
Coding change: c.4561C>T on transcript NM_182961.4 (MANE Select); coding-DNA position 4561, C replaced by T.
Protein change: p.Arg1521Ter; replaces arginine 1521 with a stop codon.
Molecular consequence: nonsense.
Genome position (GRCh38, 1-based): chr6:152,430,610, G>A on the plus strand (C>T on the coding strand, the complement: SYNE1 is on the minus strand). VCF-style: chr6-152430610-G-A. GRCh37 (hg19) VCF-style: chr6-152751745-G-A.
Other names: c.4582C>T, p.Arg1528Ter (NM_033071.5); short protein forms R1521*, R1528*.
Identifiers: ClinVar variation 1186346 (VCV001186346.10), dbSNP rs771760718, ClinGen allele CA4058524.
Genomic context (GRCh38, chr6:152,430,610, plus strand): 5'-GTGCATGCTCTCGAAGCTCTTCCCCGTATCTTCTTATTTGTGTCAACTTGGCTTTAATTC[G>A]AGCAGATTCTCCAGTGGTAACAAACTGAGCAAAAGACTGGGCTTCTTCTTCTAATCCTAC-3'

ClinVar aggregate classification (germline): Pathogenic/Likely pathogenic. Review status: criteria provided, multiple submitters, no conflicts (2 of 4 stars). 6 submissions from 6 submitters: Pathogenic (5); Likely pathogenic (1). Last evaluated 2026-05-21.

Conditions:
Autosomal recessive ataxia, Beauce type. Also called: Spinocerebellar ataxia, autosomal recessive 8; ATAXIA, RECESSIVE, OF BEAUCE; SYNE1-Related Autosomal Recessive Cerebellar Ataxia; SYNE1 Deficiency. Identifiers: Orphanet 88644, MedGen C1853116, MONDO:0012549, OMIM 610743.
Emery-Dreifuss muscular dystrophy 4, autosomal dominant (EDMD4). Also called: EMERY-DREIFUSS MUSCULAR DYSTROPHY 4 WITH VARIABLE FEATURES. Identifiers: Orphanet 261, MedGen C2751807, MONDO:0013071, OMIM 612998.

Allele frequency attached by ClinVar (database versions not stated): gnomAD 0.00001; ExAC 0.00002; gnomAD exomes 0.00002; TOPMed 0.00002.
gnomAD v4.1: 33 of 1,613,972 alleles (0.002%); highest among the groups gnomAD compares: Non-Finnish European, 0.0026%; no homozygotes.

Submissions (6):

Victorian Clinical Genetics Services, Murdoch Childrens Research Institute
Classification: Pathogenic for Autosomal recessive ataxia, Beauce type. Last evaluated: 2026-05-21. Review status: criteria provided, single submitter. Criteria: ACMG Guidelines, 2015. Collection method: clinical testing. Allele origin: germline. Affected: yes.
Comment: This variant is classified as Pathogenic. Evidence in support of pathogenic classification: Variant is predicted to cause nonsense-mediated decay (NMD) and loss of protein (premature termination codon is located at least 54 nucleotides upstream of the final exon-exon junction); Variant is present in gnomAD <0.01 (v4: 33 heterozygote(s), 0 homozygote(s)); This variant has strong previous evidence of pathogenicity in unrelated individuals. This variant has been classified as pathogenic/likely pathogenic by clinical laboratories and identified in a homozygous state in at least one individual with cerebellar ataxia (ClinVar); Other NMD-predicted variants comparable to the one identified in this case have very strong previous evidence for pathogenicity (DECIPHER). Additional information: This variant is non-coding in an alternative transcript. This variant is coding in the longest isoform, the MANE transcript NM_182961.4, but non-coding in the MANE clinical transcript NM_001347702.2, which is known to have variants associated with arthrogryposis multiplex congenita, myogenic type (MIM#618484); This variant is heterozygous; This gene is associated with both recessive and dominant disease. Monoallelic variants can cause Emery-Dreifuss muscular dystrophy 4 (MIM#612998), whereas biallelic variants can cause either myogenic type arthrogryposis multiplex congenita 3 (MIM#618484) or spinocerebellar ataxia 8 (MIM#610743). Variants causing arthrogryposis typically truncate the C-terminal KASH domain in the muscle-specific isoform, whereas variants associated with spinocerebellar ataxia affect the longest isoform (OMIM); Loss of function is a known mechanism of disease in this gene and is associated with spinocerebellar ataxia, autosomal recessive 8 (SCAR8; MIM#610743), and arthrogryposis multiplex congenita, myogenic type (MIM#618484). Dominant negative and gain of function are suggested mechanisms associated with Emery-Dreifuss muscular dystrophy 4, autosomal dominant (MIM#612998); Variants in this gene associated with spinocerebellar ataxia are known to have variable expressivity, including variable age of onset and severity (PMID: 20301553); Heterozygous variant detected in trans with a second heterozygous variant (NM_182961.4(SYNE1):c.2818G>A; p.(Glu940Lys)) in a recessive disease.

Labcorp Genetics (formerly Invitae), Labcorp
Classification: Pathogenic for Emery-Dreifuss muscular dystrophy 4, autosomal dominant; Autosomal recessive ataxia, Beauce type. Last evaluated: 2025-10-21. Review status: criteria provided, single submitter. Criteria: Invitae Variant Classification Sherloc (09022015). Collection method: clinical testing. Allele origin: germline.
Comment: This sequence change creates a premature translational stop signal (p.Arg1528*) in the SYNE1 gene. It is expected to result in an absent or disrupted protein product. Loss-of-function variants in SYNE1 are known to be pathogenic (PMID: 19542096, 24319099, 27086870). This variant is present in population databases (rs771760718, gnomAD 0.006%). This premature translational stop signal has been observed in individual(s) with cerebellar ataxia (PMID: 29482223, 34234304). ClinVar contains an entry for this variant (Variation ID: 1186346). For these reasons, this variant has been classified as Pathogenic.

GeneDx
Classification: Pathogenic. Last evaluated: 2024-03-16. Review status: criteria provided, single submitter. Criteria: GeneDx Variant Classification Process June 2021. Collection method: clinical testing. Allele origin: germline. Affected: yes.
Comment: Nonsense variant predicted to result in protein truncation or nonsense mediated decay in a gene for which loss-of-function is a known mechanism of disease; Not observed at significant frequency in large population cohorts (gnomAD); This variant is associated with the following publications: (PMID: 34234304, 36129056, 29482223)

Kariminejad - Najmabadi Pathology & Genetics Center
Classification: Pathogenic for Autosomal recessive ataxia, Beauce type. Last evaluated: 2023-06-12. Review status: criteria provided, single submitter. Criteria: ACMG Guidelines, 2015. Collection method: clinical testing. Allele origin: germline. Inheritance: Autosomal recessive inheritance. Affected: yes.
Comment: PVS1, PS4, PM2

Women's Health and Genetics/Laboratory Corporation of America, LabCorp
Classification: Pathogenic for Emery-Dreifuss muscular dystrophy 4, autosomal dominant. Last evaluated: 2023-06-05. Review status: criteria provided, single submitter. Criteria: LabCorp Variant Classification Summary - May 2015. Collection method: clinical testing. Allele origin: germline.
Comment: Variant summary: SYNE1 c.4582C>T (p.Arg1528X) results in a premature termination codon, predicted to cause a truncation of the encoded protein or absence of the protein due to nonsense mediated decay, which are commonly known mechanisms for disease. The variant allele was found at a frequency of 1.6e-05 in 251334 control chromosomes. c.4582C>T has been reported in the literature in the homozygous state in at least one individual affected with autosomal recessive cerebellar ataxia (Coutelier_2018, Benkirane_2021). To our knowledge, no experimental evidence demonstrating an impact on protein function has been reported. The following publications have been ascertained in the context of this evaluation (PMID: 34234304, 29482223). Two clinical diagnostic laboratories have submitted clinical-significance assessments for this variant to ClinVar after 2014 and both classified the variant as pathogenic (n=1)/likely pathogenic (n=1). Based on the evidence outlined above, the variant was classified as pathogenic.

Revvity Omics, Revvity
Classification: Likely pathogenic. Last evaluated: 2022-04-20. Review status: criteria provided, single submitter. Criteria: ACMG Guidelines, 2015. Collection method: clinical testing. Allele origin: germline.

Literature cited by the submitters: PubMed 20301553 (cited by Victorian Clinical Genetics Services, Murdoch Childrens Research Institute); PubMed 19542096 (cited by Labcorp Genetics (formerly Invitae), Labcorp); PubMed 24319099 (cited by Labcorp Genetics (formerly Invitae), Labcorp); PubMed 27086870 (cited by Labcorp Genetics (formerly Invitae), Labcorp); PubMed 29482223 (cited by Labcorp Genetics (formerly Invitae), Labcorp and Women's Health and Genetics/Laboratory Corporation of America, LabCorp); PubMed 34234304 (cited by Labcorp Genetics (formerly Invitae), Labcorp and Women's Health and Genetics/Laboratory Corporation of America, LabCorp).